The following is an entry in ClinVar:

ClinVar aggregate classification (germline): Uncertain significance (1 of 4 stars; one submission).

Allele frequency attached by ClinVar (database versions not stated): gnomAD 0.00005; 1000 Genomes Project 30x 0.00016; 1000 Genomes Project 0.00020.
gnomAD v4.1: 30 of 1,614,156 alleles (0.0019%); highest among the groups gnomAD compares: African/African-American, 0.0093%; no homozygotes.

Submission:

Labcorp Genetics (formerly Invitae), Labcorp
Classification: Uncertain significance. Last evaluated: 2022-10-03. Review status: criteria provided, single submitter. Criteria: Invitae Variant Classification Sherloc (09022015). Collection method: clinical testing. Allele origin: germline.
Comment: This sequence change replaces aspartic acid, which is acidic and polar, with tyrosine, which is neutral and polar, at codon 701 of the C5 protein (p.Asp701Tyr). This variant is present in population databases (rs187925604, gnomAD 0.009%). This variant has not been reported in the literature in individuals affected with C5-related conditions. Advanced modeling of protein sequence and biophysical properties (such as structural, functional, and spatial information, amino acid conservation, physicochemical variation, residue mobility, and thermodynamic stability) performed at Invitae indicates that this missense variant is not expected to disrupt C5 protein function. Algorithms developed to predict the effect of sequence changes on RNA splicing suggest that this variant may disrupt the consensus splice site. In summary, the available evidence is currently insufficient to determine the role of this variant in disease. Therefore, it has been classified as a Variant of Uncertain Significance.

NM_001735.3(C5):c.2101G>T (p.Asp701Tyr)

Gene: C5 (complement C5; minus strand). Cytogenetic location: 9q33.2.
Variant type: single nucleotide variant.
Coding change: c.2101G>T on transcript NM_001735.3 (MANE Select); coding-DNA position 2101, G replaced by T.
Protein change: p.Asp701Tyr; replaces aspartic acid 701 with tyrosine.
Molecular consequence: missense variant.
Genome position (GRCh38, 1-based): chr9:121,014,029, C>A on the plus strand (G>T on the coding strand, the complement: C5 is on the minus strand). VCF-style: chr9-121014029-C-A. GRCh37 (hg19) VCF-style: chr9-123776307-C-A.
Other names: c.2119G>T, p.Asp707Tyr (NM_001317163.2); c.2101G>T, p.Asp701Tyr (NM_001317164.2); short protein forms D701Y, D707Y.
Identifiers: ClinVar variation 2421347 (VCV002421347.3), dbSNP rs187925604, ClinGen allele CA5217863.
Genomic context (GRCh38, chr9:121,014,029, plus strand): 5'-CTAAACTAATCCGTGCAGCTCGCTGCTCACAGGTTTCATCATTATTAACGCAGGCTCCAT[C>A]GTAACAACATTTCTTCACTACTGAATGTTTATATTTAGCAGCTGAAATGGTAATAATGCA-3'
Protein context (NP_001726.2, residues 691-711): KHSVVKKCCY[Asp701Tyr]GACVNNDETC